The following is an entry in ClinVar:

NM_000179.3(MSH6):c.4019G>T (p.Ser1340Ile)

Gene: MSH6 (mutS homolog 6; plus strand). Cytogenetic location: 2p16.3.
Variant type: single nucleotide variant.
Coding change: c.4019G>T on transcript NM_000179.3 (MANE Select); coding-DNA position 4019, G replaced by T.
Protein change: p.Ser1340Ile; replaces serine 1340 with isoleucine.
Molecular consequence: missense variant. On other transcripts: stop lost (4), 3 prime UTR variant (1), non-coding transcript variant (5).
Genome position (GRCh38, 1-based): chr2:47,806,796, G>T. VCF-style: chr2-47806796-G-T. GRCh37 (hg19) VCF-style: chr2-48033935-G-T.
Other names: c.4014G>T, p.Ter1338Tyr (NM_001406808.1); c.4019G>T, p.Ser1340Ile (NM_001406809.1, NM_001406796.1); c.3113G>T, p.Ser1038Ile (NM_001406811.1, NM_001406812.1, NM_001281493.2 and 6 more transcripts); c.4025G>T, p.Ser1342Ile (NM_001406813.1); c.3629G>T, p.Ser1210Ile (NM_001281492.2); c.4115G>T, p.Ser1372Ile (NM_001406795.1); c.3722G>T, p.Ser1241Ile (NM_001406797.1, NM_001406805.1, NM_001406818.1 and 8 more transcripts); c.3845G>T, p.Ser1282Ile (NM_001406798.1); and 11 more; short protein forms S1038I, S1210I, S267I, S1052I, S1165I, S1282I, S1284I, S1342I.
Identifiers: ClinVar variation 2609821 (VCV002609821.6), dbSNP rs2104581011, ClinGen allele CA346761655.

ClinVar aggregate classification (germline): Uncertain significance. Review status: criteria provided, multiple submitters, no conflicts (2 of 4 stars). 3 submissions from 3 submitters: Uncertain significance (3). Last evaluated 2024-11-13.

Conditions:
Hereditary nonpolyposis colorectal neoplasms. Identifiers: MedGen C0009405, MeSH D003123.
Hereditary cancer-predisposing syndrome. Also called: Tumor predisposition; Hereditary Cancer Syndrome; Hereditary neoplastic syndrome; Neoplastic Syndromes, Hereditary. Identifiers: Orphanet 140162, MedGen C0027672, MeSH D009386, MONDO:0015356.

Submissions (3):

GeneDx
Classification: Uncertain significance. Last evaluated: 2024-11-13. Review status: criteria provided, single submitter. Criteria: GeneDx Variant Classification Process June 2021. Collection method: clinical testing. Allele origin: germline. Affected: yes.
Comment: Not observed at significant frequency in large population cohorts (gnomAD); In silico analysis indicates that this missense variant does not alter protein structure/function; Has not been previously published as pathogenic or benign to our knowledge; This variant is associated with the following publications: (PMID: 17531815, 21120944, 12019211)

Labcorp Genetics (formerly Invitae), Labcorp
Classification: Uncertain significance for Hereditary nonpolyposis colorectal neoplasms. Last evaluated: 2024-04-10. Review status: criteria provided, single submitter. Criteria: Invitae Variant Classification Sherloc (09022015). Collection method: clinical testing. Allele origin: germline.
Comment: This sequence change replaces serine, which is neutral and polar, with isoleucine, which is neutral and non-polar, at codon 1340 of the MSH6 protein (p.Ser1340Ile). This variant is not present in population databases (gnomAD no frequency). This variant has not been reported in the literature in individuals affected with MSH6-related conditions. ClinVar contains an entry for this variant (Variation ID: 2609821). Advanced modeling of protein sequence and biophysical properties (such as structural, functional, and spatial information, amino acid conservation, physicochemical variation, residue mobility, and thermodynamic stability) performed at Invitae indicates that this missense variant is not expected to disrupt MSH6 protein function with a negative predictive value of 95%. In summary, the available evidence is currently insufficient to determine the role of this variant in disease. Therefore, it has been classified as a Variant of Uncertain Significance.

Ambry Genetics
Classification: Uncertain significance for Hereditary cancer-predisposing syndrome. Last evaluated: 2023-07-28. Review status: criteria provided, single submitter. Criteria: Ambry Variant Classification Scheme 2023. Collection method: clinical testing. Allele origin: germline.
Comment: The p.S1340I variant (also known as c.4019G>T), located in coding exon 10 of the MSH6 gene, results from a G to T substitution at nucleotide position 4019. The serine at codon 1340 is replaced by isoleucine, an amino acid with dissimilar properties. This amino acid position is conserved. In addition, the in silico prediction for this alteration is inconclusive. Since supporting evidence is limited at this time, the clinical significance of this alteration remains unclear.